The following is an entry in ClinVar:

ClinVar aggregate classification (germline): Uncertain significance (1 of 4 stars; one submission).

Conditions:
Hereditary nonpolyposis colorectal neoplasms. Identifiers: MedGen C0009405, MeSH D003123.

Allele frequency attached by ClinVar (database versions not stated): gnomAD exomes below 0.00001; ExAC 0.00001.
gnomAD v4.1: 4 of 1,614,116 alleles (0.00025%); highest among the groups gnomAD compares: Non-Finnish European, 0.00034%; no homozygotes.

Submission:

Labcorp Genetics (formerly Invitae), Labcorp
Classification: Uncertain significance for Hereditary nonpolyposis colorectal neoplasms. Last evaluated: 2018-09-19. Review status: criteria provided, single submitter. Criteria: Invitae Variant Classification Sherloc (09022015). Collection method: clinical testing. Allele origin: germline.
Comment: This sequence change replaces alanine with valine at codon 683 of the MSH6 protein (p.Ala683Val). The alanine residue is highly conserved and there is a small physicochemical difference between alanine and valine. In summary, the available evidence is currently insufficient to determine the role of this variant in disease. Therefore, it has been classified as a Variant of Uncertain Significance. Algorithms developed to predict the effect of missense changes on protein structure and function do not agree on the potential impact of this missense change (SIFT: "Deleterious"; PolyPhen-2: "Probably Damaging"; Align-GVGD: "Class C0"). This variant has not been reported in the literature in individuals with MSH6-related disease. This variant is present in population databases (rs747699430, ExAC 0.006%).

NM_000179.3(MSH6):c.2048C>T (p.Ala683Val)

Gene: MSH6 (mutS homolog 6; plus strand). Cytogenetic location: 2p16.3.
Variant type: single nucleotide variant.
Coding change: c.2048C>T on transcript NM_000179.3 (MANE Select); coding-DNA position 2048, C replaced by T.
Protein change: p.Ala683Val; replaces alanine 683 with valine.
Molecular consequence: missense variant.
Genome position (GRCh38, 1-based): chr2:47,800,031, C>T. VCF-style: chr2-47800031-C-T. GRCh37 (hg19) VCF-style: chr2-48027170-C-T.
Other names: c.1658C>T, p.Ala553Val (NM_001281492.2); c.1142C>T, p.Ala381Val (NM_001281493.2, NM_001281494.2); short protein forms A683V, A553V, A381V.
Identifiers: ClinVar variation 582783 (VCV000582783.10), dbSNP rs747699430, ClinGen allele CA068414.